The following is an entry in ClinVar:

GRCh37/hg19 Xp21.1(chrX:32451450-32629283)x1

Gene: DMD (dystrophin; minus strand). Cytogenetic location: Xp21.1.
Variant type: copy number loss.
Change: copy number 1 of chrX:32,451,450-32,629,283 (177.8 kb, GRCh37 coordinates, 1-based), cytogenetic band Xp21.1.
Identifiers: ClinVar variation 3391952 (VCV003391952.1).

ClinVar aggregate classification (germline): Pathogenic (1 of 4 stars; one submission).

Submission:

Quest Diagnostics Nichols Institute San Juan Capistrano
Classification: Pathogenic. Last evaluated: 2024-02-09. Review status: criteria provided, single submitter. Criteria: ACMG/ClinGen CNV Guidelines, 2019. Collection method: clinical testing. Allele origin: unknown.
Comment: The copy number loss involves an intragenic portion (approximately exons 13-29; NM_004006.3) of DMD (OMIM 300377), which is predicted to be an in-frame deletion. In-frame variants of DMD are predicted to result in Becker muscular dystrophy (BMD; OMIM 300376) .Specifically, an in-frame deletion of exons 13-29 of DMD comparable to the current case has been reported in a family with BMD (Romero 1997). A small percentage of carrier females (2.5%-19%) are manifesting carriers (Darras 2022, Ishizaki 2018). There are no similar copy number losses of this region in the general populations of the Database of Genomic Variants. Therefore, this copy number variant (CNV) is interpreted as pathogenic. References: Darras et al., GeneReviews [2022 Jan 20]. PMID: 20301298; Ishizaki et al., Neuromuscul Disord. 2018 Jul;28(7):572-581. PMID: 29801751; Romero et al., Neuromuscul Disord. 1997 Dec;7(8):499-504. PMID: 9447607